The following is an entry in ClinVar:

NM_000038.6(APC):c.4392G>T (p.Glu1464Asp)

Gene: APC (APC regulator of Wnt signaling pathway; plus strand). Cytogenetic location: 5q22.2.
Variant type: single nucleotide variant.
Coding change: c.4392G>T on transcript NM_000038.6 (MANE Select); coding-DNA position 4392, G replaced by T.
Protein change: p.Glu1464Asp; replaces glutamic acid 1464 with aspartic acid.
Molecular consequence: missense variant. On other transcripts: non-coding transcript variant (2).
Genome position (GRCh38, 1-based): chr5:112,839,986, G>T. VCF-style: chr5-112839986-G-T. GRCh37 (hg19) VCF-style: chr5-112175683-G-T.
Other names: c.4392G>T, p.Glu1464Asp (NM_001127510.3, NM_001354895.2, NM_001407450.1); c.4338G>T, p.Glu1446Asp (NM_001127511.3); c.4446G>T, p.Glu1482Asp (NM_001354896.2, NM_001407447.1, NM_001407448.1 and 1 more transcripts); c.4422G>T, p.Glu1474Asp (NM_001354897.2); c.4317G>T, p.Glu1439Asp (NM_001354898.2); c.4308G>T, p.Glu1436Asp (NM_001354899.2); c.4269G>T, p.Glu1423Asp (NM_001354900.2); c.4215G>T, p.Glu1405Asp (NM_001354901.2, NM_001407453.1); and 11 more; short protein forms E1181D, E1304D, E1381D, E1446D, E1454D, E1464D, E1405D, E1492D.
Identifiers: ClinVar variation 3635463 (VCV003635463.2).

ClinVar aggregate classification (germline): Uncertain significance (1 of 4 stars; one submission).

Conditions:
Familial adenomatous polyposis 1 (FAP1). Also called: FAMILIAL ADENOMATOUS POLYPOSIS 1, ATTENUATED; POLYPOSIS, ADENOMATOUS INTESTINAL. Identifiers: MedGen C2713442, MONDO:0021056, OMIM 175100. Disease mechanism: loss of function.

Submission:

Labcorp Genetics (formerly Invitae), Labcorp
Classification: Uncertain significance for Familial adenomatous polyposis 1. Last evaluated: 2024-04-08. Review status: criteria provided, single submitter. Criteria: Invitae Variant Classification Sherloc (09022015). Collection method: clinical testing. Allele origin: germline.
Comment: This sequence change replaces glutamic acid, which is acidic and polar, with aspartic acid, which is acidic and polar, at codon 1464 of the APC protein (p.Glu1464Asp). This variant is not present in population databases (gnomAD no frequency). This variant has not been reported in the literature in individuals affected with APC-related conditions. Advanced modeling of protein sequence and biophysical properties (such as structural, functional, and spatial information, amino acid conservation, physicochemical variation, residue mobility, and thermodynamic stability) performed at Invitae indicates that this missense variant is not expected to disrupt APC protein function with a negative predictive value of 95%. In summary, the available evidence is currently insufficient to determine the role of this variant in disease. Therefore, it has been classified as a Variant of Uncertain Significance.